The following is an entry in ClinVar:

ClinVar aggregate classification (germline): Uncertain significance. Review status: criteria provided, multiple submitters, no conflicts (2 of 4 stars). 10 submissions from 8 submitters: Uncertain significance (10). Last evaluated 2025-09-04.

Conditions:
RYR1-related disorder. Also called: RYR1-related condition; RYR1-related disorders. Identifiers: MedGen CN239331.
Central core myopathy (CMYO1A). Also called: CONGENITAL MYOPATHY 1A, AUTOSOMAL DOMINANT, WITH SUSCEPTIBILITY TO MALIGNANT HYPERTHERMIA; Central core disease; Myopathy, central fibrillar. Identifiers: Orphanet 597, MedGen C5830701, MONDO:0007294, OMIM 117000.
Congenital multicore myopathy with external ophthalmoplegia (CMYO1B). Also called: MULTICORE MYOPATHY; Minicore myopathy with external ophthalmoplegia; Congenital myopathy 1B, autosomal recessive; Minicore myopathy; MULTIMINICORE DISEASE WITH EXTERNAL OPHTHALMOPLEGIA. Identifiers: Orphanet 598, Orphanet 98905, MedGen C1850674, MONDO:0009712, OMIM 255320, HP:0003789.
Malignant hyperthermia, susceptibility to, 1 (MHS1). Also called: RYR1-Related Malignant Hyperthermia Susceptibility; Malignant hyperthermia suceptibility 1; Anesthesia related hyperthermia; Malignant hyperpyrexia; Fulminating hyperpyrexia; Pharmacogenic myopathy. Identifiers: Orphanet 423, MedGen C2930980, MONDO:0007783, OMIM 145600.

Allele frequency attached by ClinVar (database versions not stated): gnomAD 0.00001; gnomAD exomes 0.00001 and 0.00002; ExAC 0.00002; 1000 Genomes Project 0.00040; 1000 Genomes Project 30x 0.00047.
gnomAD v4.1: 19 of 1,613,936 alleles (0.0012%); highest among the groups gnomAD compares: South Asian, 0.0055%; no homozygotes.

Submissions (10):

Color Diagnostics, LLC DBA Color Health
Classification: Uncertain significance for Malignant hyperthermia, susceptibility to, 1. Last evaluated: 2025-09-04. Review status: criteria provided, single submitter. Criteria: ACMG Guidelines, 2015. Collection method: clinical testing. Allele origin: germline.
Comment: This missense variant replaces aspartic acid with asparagine at codon 4623 of the RYR1 protein. Computational prediction suggests that this variant may not impact protein structure and function. To our knowledge, functional studies have not been reported for this variant. This variant has not been reported in individuals affected with autosomal dominant malignant hyperthermia in the literature, although it has been observed in individuals affected with other phenotypes (PMID: 25960145). This variant has been identified in 5/251460 chromosomes in the general population by the Genome Aggregation Database (gnomAD). The available evidence is insufficient to determine the role of this variant in disease conclusively. Therefore, this variant is classified as a Variant of Uncertain Significance.

Women's Health and Genetics/Laboratory Corporation of America, LabCorp
Classification: Uncertain significance. Last evaluated: 2024-08-26. Review status: criteria provided, single submitter. Criteria: LabCorp Variant Classification Summary - May 2015. Collection method: clinical testing. Allele origin: germline.
Comment: Variant summary: RYR1 c.13867G>A (p.Asp4623Asn) results in a conservative amino acid change located in the Ryanodine Receptor TM 4-6 domain (IPR009460) of the encoded protein sequence. Three of four in-silico tools predict a damaging effect of the variant on protein function. The variant allele was found at a frequency of 2e-05 in 251460 control chromosomes. The available data on variant occurrences in the general population are insufficient to allow any conclusion about variant significance. c.13867G>A has been reported in the literature in one individual affected with multiminicore disease and unaffected mom (example, Snoeck_2015). These report(s) do not provide unequivocal conclusions about association of the variant with Congenital Multicore Myopathy With External Ophthalmoplegia. To our knowledge, no experimental evidence demonstrating an impact on protein function has been reported. The following publication has been ascertained in the context of this evaluation (PMID: 25960145). ClinVar contains an entry for this variant (Variation ID: 449692). Based on the evidence outlined above, the variant was classified as uncertain significance.

All of Us Research Program, National Institutes of Health
Classification: Uncertain significance for Malignant hyperthermia, susceptibility to, 1. Last evaluated: 2024-06-11. Review status: criteria provided, single submitter. Criteria: ACMG Guidelines, 2015. Collection method: clinical testing. Allele origin: germline. Inheritance: Autosomal dominant inheritance. Observed: 3 variant alleles, 3 heterozygotes.
Comment: This missense variant replaces aspartic acid with asparagine at codon 4623 of the RYR1 protein. Computational prediction suggests that this variant may not impact protein structure and function (internally defined REVEL score threshold <= 0.5, PMID: 27666373). To our knowledge, functional studies have not been reported for this variant. This variant has not been reported in individuals affected with autosomal dominant malignant hyperthermia in the literature, although it has been observed in individuals affected with other phenotypes (PMID: 25960145). This variant has been identified in 5/251460 chromosomes in the general population by the Genome Aggregation Database (gnomAD). The available evidence is insufficient to determine the role of this variant in disease conclusively. Therefore, this variant is classified as a Variant of Uncertain Significance.

This study involves interpretation of variants in research participants for the purpose of population health screening. Participant phenotype was not available at the time of variant classification. Additional details can be found in publication PMID: 35346344, PMCID: PMC8962531

3billion
Classification: Uncertain significance for Congenital multicore myopathy with external ophthalmoplegia. Last evaluated: 2023-06-02. Review status: criteria provided, single submitter. Criteria: ACMG Guidelines, 2015. Collection method: clinical testing. Allele origin: germline. Affected: yes.
Comment: The variant is observed at an extremely low frequency in the gnomAD v2.1.1 dataset (total allele frequency: 0.002%). Predicted Consequence/Location: Missense variant Same nucleotide change resulting in same amino acid change has been previously reported to be associated with RYR1 related disorder (PMID: 25960145). However, the evidence of pathogenicity is insufficient at this time. Therefore, this variant is classified as VUS according to the recommendation of ACMG/AMP guideline.

Labcorp Genetics (formerly Invitae), Labcorp
Classification: Uncertain significance for RYR1-related disorder. Last evaluated: 2022-08-22. Review status: criteria provided, single submitter. Criteria: Invitae Variant Classification Sherloc (09022015). Collection method: clinical testing. Allele origin: germline.
Comment: This sequence change replaces aspartic acid, which is acidic and polar, with asparagine, which is neutral and polar, at codon 4623 of the RYR1 protein (p.Asp4623Asn). This variant is present in population databases (rs547709829, gnomAD 0.006%). This missense change has been observed in individual(s) with clinical features of RYR1-related conditions (PMID: 25960145). ClinVar contains an entry for this variant (Variation ID: 449692). Advanced modeling of protein sequence and biophysical properties (such as structural, functional, and spatial information, amino acid conservation, physicochemical variation, residue mobility, and thermodynamic stability) performed at Invitae indicates that this missense variant is not expected to disrupt RYR1 protein function. In summary, the available evidence is currently insufficient to determine the role of this variant in disease. Therefore, it has been classified as a Variant of Uncertain Significance.

Revvity Omics, Revvity
Classification: Uncertain significance. Last evaluated: 2019-06-26. Review status: criteria provided, single submitter. Criteria: ACMG Guidelines, 2015. Collection method: clinical testing. Allele origin: germline.

GeneDx
Classification: Uncertain significance. Last evaluated: 2017-10-24. Review status: criteria provided, single submitter. Criteria: GeneDx Variant Classification (06012015). Collection method: clinical testing. Allele origin: germline. Affected: yes.
Comment: The D4623N variant has been reported previously in an individual with multiminicore disease; however the variant was inherited from an asymptomatic parent (Snoeck et al., 2015). This variant is observed in 2/30782 (0.006%) alleles from individuals of South Asian background, in large population cohorts (Lek et al., 2016). The D4623N variant is a a semi-conservative amino acid substitution, which may impact secondary protein structure as these residues differ in some properties. This substitution occurs at a position where amino acids with similar properties to Aspartic acid are tolerated across species. In silico analysis is inconsistent in its predictions as to whether or not the variant is damaging to the protein structure/function. Therefore, based on the currently available information, it is unclear whether this variant is a pathogenic variant or a rare benign variant.

Illumina Laboratory Services, Illumina
Classification: Uncertain significance for Congenital multicore myopathy with external ophthalmoplegia. Last evaluated: 2017-08-14. Review status: criteria provided, single submitter. Criteria: ICSL Variant Classification Criteria 13 December 2019. Collection method: clinical testing. Allele origin: germline.
Comment: This variant was observed as part of a predisposition screen in an ostensibly healthy population. A literature search was performed for the gene, cDNA change, and amino acid change (where applicable). Publications were found based on this search. However, the evidence from the literature, in combination with allele frequency data from public databases where available, was not sufficient to rule this variant in or out of causing disease. Therefore, this variant is classified as a variant of unknown significance.

Illumina Laboratory Services, Illumina
Classification: Uncertain significance for Central core myopathy. Last evaluated: 2017-08-14. Review status: criteria provided, single submitter. Criteria: ICSL Variant Classification Criteria 13 December 2019. Collection method: clinical testing. Allele origin: germline.
Comment: the same text as in the submission from Illumina Laboratory Services, Illumina above.

Illumina Laboratory Services, Illumina
Classification: Uncertain significance for Malignant hyperthermia, susceptibility to, 1. Last evaluated: 2017-08-14. Review status: criteria provided, single submitter. Criteria: ICSL Variant Classification Criteria 13 December 2019. Collection method: clinical testing. Allele origin: germline.
Comment: the same text as in the submission from Illumina Laboratory Services, Illumina above.

Literature cited by the submitters: PubMed 25960145 (cited by 6 submitters).

NM_000540.3(RYR1):c.13867G>A (p.Asp4623Asn)

Gene: RYR1 (ryanodine receptor 1; plus strand). Cytogenetic location: 19q13.2.
Variant type: single nucleotide variant.
Coding change: c.13867G>A on transcript NM_000540.3 (MANE Select); coding-DNA position 13867, G replaced by A.
Protein change: p.Asp4623Asn; replaces aspartic acid 4623 with asparagine.
Molecular consequence: missense variant.
Genome position (GRCh38, 1-based): chr19:38,572,139, G>A. VCF-style: chr19-38572139-G-A. GRCh37 (hg19) VCF-style: chr19-39062779-G-A.
Other names: c.13852G>A, p.Asp4618Asn (NM_001042723.2); short protein forms D4623N, D4618N.
Identifiers: ClinVar variation 449692 (VCV000449692.14), dbSNP rs547709829, ClinGen allele CA060622.